The following is an entry in ClinVar:

NM_152416.4(NDUFAF6):c.619A>G (p.Ile207Val)

Gene: NDUFAF6 (NADH:ubiquinone oxidoreductase complex assembly factor 6; plus strand). Cytogenetic location: 8q22.1.
Variant type: single nucleotide variant.
Coding change: c.619A>G on transcript NM_152416.4 (MANE Select); coding-DNA position 619, A replaced by G.
Protein change: p.Ile207Val; replaces isoleucine 207 with valine.
Molecular consequence: missense variant. On other transcripts: non-coding transcript variant (5).
Genome position (GRCh38, 1-based): chr8:95,047,032, A>G. VCF-style: chr8-95047032-A-G. GRCh37 (hg19) VCF-style: chr8-96059260-A-G.
Other names: c.343A>G, p.Ile115Val (NM_001330582.2, NM_001354514.2, NM_001354515.2 and 1 more transcripts); c.463A>G, p.Ile155Val (NM_001354516.2); c.286A>G, p.Ile96Val (NM_001354517.2, NM_001354518.2, NM_001354519.2 and 1 more transcripts); c.163A>G, p.Ile55Val (NM_001354522.2, NM_001354524.2, NM_001354525.2 and 7 more transcripts); short protein forms I115V, I155V, I207V, I55V, I96V.
Identifiers: ClinVar variation 2821054 (VCV002821054.3), dbSNP rs2536883479, ClinGen allele CA371746032.

ClinVar aggregate classification (germline): Uncertain significance (1 of 4 stars; one submission).

Submission:

Labcorp Genetics (formerly Invitae), Labcorp
Classification: Uncertain significance. Last evaluated: 2025-01-27. Review status: criteria provided, single submitter. Criteria: Invitae Variant Classification Sherloc (09022015). Collection method: clinical testing. Allele origin: germline.
Comment: This sequence change replaces isoleucine, which is neutral and non-polar, with valine, which is neutral and non-polar, at codon 207 of the NDUFAF6 protein (p.Ile207Val). This variant is not present in population databases (gnomAD no frequency). This variant has not been reported in the literature in individuals affected with NDUFAF6-related conditions. ClinVar contains an entry for this variant (Variation ID: 2821054). Invitae Evidence Modeling of protein sequence and biophysical properties (such as structural, functional, and spatial information, amino acid conservation, physicochemical variation, residue mobility, and thermodynamic stability) indicates that this missense variant is not expected to disrupt NDUFAF6 protein function with a negative predictive value of 80%. In summary, the available evidence is currently insufficient to determine the role of this variant in disease. Therefore, it has been classified as a Variant of Uncertain Significance.